The following is an entry in ClinVar:

ClinVar aggregate classification (germline): Likely benign. Review status: criteria provided, multiple submitters, no conflicts (2 of 4 stars). 5 submissions from 5 submitters: Likely benign (4). 1 of the submissions does not count toward it. Last evaluated 2026-01-13.

Conditions:
AGRN-related disorder. Also called: AGRN-related condition.
Congenital myasthenic syndrome 8. Also called: MYASTHENIC SYNDROME, CONGENITAL, DUE TO AGRIN DEFICIENCY; Myasthenic syndrome, congenital, 8, with pre- and postsynaptic defects. Identifiers: Orphanet 590, MedGen C3808739, MONDO:0014052, OMIM 615120.

Allele frequency attached by ClinVar (database versions not stated): TOPMed 0.00091; gnomAD 0.00103 and 0.00105; ESP Exome Variant Server 0.00108.
gnomAD v4.1: 1,312 of 1,611,798 alleles (0.081%); highest among the groups gnomAD compares: Middle Eastern, 0.085%; 18 homozygotes.

Submissions (5):

Labcorp Genetics (formerly Invitae), Labcorp
Classification: Likely benign for Congenital myasthenic syndrome 8. Last evaluated: 2026-01-13. Review status: criteria provided, single submitter. Criteria: Invitae Variant Classification Sherloc (09022015). Collection method: clinical testing. Allele origin: germline.

CeGaT Center for Human Genetics Tuebingen
Classification: Likely benign. Last evaluated: 2025-08-01. Review status: criteria provided, single submitter. Criteria: CeGaT Center For Human Genetics Tuebingen Variant Classification Criteria Version 2. Collection method: clinical testing. Allele origin: germline. Affected: yes. Observed: 5 variant alleles.
Comment: AGRN: BP4, BP7

Genome-Nilou Lab
Classification: Likely benign for Congenital myasthenic syndrome 8. Last evaluated: 2021-07-14. Review status: criteria provided, single submitter. Criteria: ACMG Guidelines, 2015. Collection method: clinical testing. Allele origin: germline. Affected: no.

Breakthrough Genomics
Classification: Likely benign. Review status: criteria provided, single submitter. Criteria: ACMG Guidelines, 2015. Collection method: not provided. Allele origin: germline. Inheritance: Autosomal recessive inheritance. Affected: yes.

PreventionGenetics, part of Exact Sciences
Classification: Benign for AGRN-related condition. Last evaluated: 2023-03-28. Review status: no assertion criteria provided. Collection method: clinical testing. Allele origin: germline. Not counted in ClinVar's aggregate classification.
Comment: This variant is classified as benign based on ACMG/AMP sequence variant interpretation guidelines (Richards et al. 2015 PMID: 25741868, with internal and published modifications).

NM_198576.4(AGRN):c.1188G>A (p.Pro396=)

Gene: AGRN (agrin; plus strand). Cytogenetic location: 1p36.33.
Variant type: single nucleotide variant.
Coding change: c.1188G>A on transcript NM_198576.4 (MANE Select); coding-DNA position 1188, G replaced by A.
Protein change: p.Pro396=; no amino-acid change (proline 396 retained).
Molecular consequence: synonymous variant.
Genome position (GRCh38, 1-based): chr1:1,041,966, G>A. VCF-style: chr1-1041966-G-A. GRCh37 (hg19) VCF-style: chr1-977346-G-A.
Other names: c.1188G>A, p.Pro396= (NM_001305275.2); c.873G>A, p.Pro291= (NM_001364727.2).
Identifiers: ClinVar variation 541206 (VCV000541206.42), dbSNP rs138841641, ClinGen allele CA508066.